The following is an entry in ClinVar:

NM_001908.5(CTSB):c.157A>G (p.Ser53Gly)

Gene: CTSB (cathepsin B). Cytogenetic location: 8p23.1.
Variant type: single nucleotide variant.
Coding change: c.157A>G on transcript NM_001908.5 (MANE Select); coding-DNA position 157, A replaced by G.
Protein change: p.Ser53Gly; replaces serine 53 with glycine.
Molecular consequence: missense variant. On other transcripts: 5 prime UTR variant (1).
Genome position (GRCh38, 1-based): chr8:11,852,665, T>C on the plus strand (A>G on the coding strand, the complement: CTSB is on the minus strand). VCF-style: chr8-11852665-T-C. GRCh37 (hg19) VCF-style: chr8-11710174-T-C.
Other names: c.157A>G (NM_001908.4); c.-97A>G (NM_001317237.2); c.157A>G, p.Ser53Gly (NM_001384714.1, NM_001384723.1, NM_001384724.1 and 8 more transcripts); short protein forms S53G.
Identifiers: ClinVar variation 1098730 (VCV001098730.15), dbSNP rs1803250, ClinGen allele CA4633125.

ClinVar aggregate classification (germline): Benign. Review status: criteria provided, multiple submitters, no conflicts (2 of 4 stars). 4 submissions from 4 submitters: Benign (3). 1 of the submissions does not count toward it. Last evaluated 2026-01-19.

Conditions:
Keratolytic winter erythema (KWE). Also called: OUDTSHOORN SKIN DISEASE. Identifiers: Orphanet 50943, MedGen C0406756, MONDO:0007854, OMIM 148370.
CTSB-related disorder. Also called: CTSB-related condition.

Allele frequency attached by ClinVar (database versions not stated): 1000 Genomes Project 0.05751; gnomAD 0.09854 and 0.09651; ExAC 0.09431; gnomAD exomes 0.12678 and 0.09262; 1000 Genomes Project 30x 0.05824; ESP Exome Variant Server 0.10880.
gnomAD v4.1: 199,472 of 1,613,452 alleles (12%); highest among the groups gnomAD compares: Non-Finnish European, 14%; 13,778 homozygotes.

Submissions (4):

Labcorp Genetics (formerly Invitae), Labcorp
Classification: Benign. Last evaluated: 2026-01-19. Review status: criteria provided, single submitter. Criteria: Invitae Variant Classification Sherloc (09022015). Collection method: clinical testing. Allele origin: germline.

Genome-Nilou Lab
Classification: Benign for Keratolytic winter erythema. Last evaluated: 2021-05-18. Review status: criteria provided, single submitter. Criteria: ACMG Guidelines, 2015. Collection method: clinical testing. Allele origin: germline. Affected: no.

Breakthrough Genomics
Classification: Benign. Review status: criteria provided, single submitter. Criteria: ACMG Guidelines, 2015. Collection method: not provided. Allele origin: germline. Inheritance: Autosomal dominant inheritance. Affected: yes.

PreventionGenetics, part of Exact Sciences
Classification: Benign for CTSB-related condition. Last evaluated: 2019-12-05. Review status: no assertion criteria provided. Collection method: clinical testing. Allele origin: germline. Not counted in ClinVar's aggregate classification.
Comment: This variant is classified as benign based on ACMG/AMP sequence variant interpretation guidelines (Richards et al. 2015 PMID: 25741868, with internal and published modifications).